The following is an entry in ClinVar:

NM_177438.3(DICER1):c.4101C>G (p.Ser1367Arg)

Gene: DICER1 (dicer 1, ribonuclease III; minus strand). Cytogenetic location: 14q32.13.
Variant type: single nucleotide variant.
Coding change: c.4101C>G on transcript NM_177438.3 (MANE Select); coding-DNA position 4101, C replaced by G.
Protein change: p.Ser1367Arg; replaces serine 1367 with arginine.
Molecular consequence: missense variant. On other transcripts: non-coding transcript variant (6).
Genome position (GRCh38, 1-based): chr14:95,099,885, G>C on the plus strand (C>G on the coding strand, the complement: DICER1 is on the minus strand). VCF-style: chr14-95099885-G-C. GRCh37 (hg19) VCF-style: chr14-95566222-G-C.
Other names: c.4101C>G, p.Ser1367Arg (NM_001195573.1, NM_001271282.3, NM_001291628.2 and 12 more transcripts); c.3819C>G, p.Ser1273Arg (NM_001395686.1); c.3696C>G, p.Ser1232Arg (NM_001395687.1, NM_001395688.1, NM_001395689.1 and 2 more transcripts); c.3534C>G, p.Ser1178Arg (NM_001395691.1); c.2418C>G, p.Ser806Arg (NM_001395697.1); short protein forms S1178R, S1232R, S1273R, S1367R, S806R.
Identifiers: ClinVar variation 3361823 (VCV003361823.1).

ClinVar aggregate classification (germline): Uncertain significance (1 of 4 stars; one submission).

Submission:

GeneDx
Classification: Uncertain significance. Last evaluated: 2023-08-01. Review status: criteria provided, single submitter. Criteria: GeneDx Variant Classification Process June 2021. Collection method: clinical testing. Allele origin: germline. Affected: yes.
Comment: Not observed at significant frequency in large population cohorts (gnomAD); In silico analysis supports that this missense variant does not alter protein structure/function; Has not been previously published as pathogenic or benign to our knowledge